The following is an entry in ClinVar:

NM_001346754.2(PIGW):c.1066G>A (p.Val356Ile)

Genes: MYO19 (myosin XIX; minus strand), PIGW (phosphatidylinositol glycan anchor biosynthesis class W; plus strand). Cytogenetic location: 17q12.
Variant type: single nucleotide variant.
Coding change: c.1066G>A on transcript NM_001346754.2 (MANE Select); coding-DNA position 1066, G replaced by A.
Protein change: p.Val356Ile; replaces valine 356 with isoleucine.
Molecular consequence: missense variant.
Genome position (GRCh38, 1-based): chr17:36,538,167, G>A. VCF-style: chr17-36538167-G-A. GRCh37 (hg19) VCF-style: chr17-34894016-G-A.
Other names: c.1066G>A, p.Val356Ile (NM_001346755.2, NM_178517.5); short protein forms V356I.
Identifiers: ClinVar variation 1514480 (VCV001514480.5), dbSNP rs757289253, ClinGen allele CA290116573.

ClinVar aggregate classification (germline): Uncertain significance (1 of 4 stars; one submission).

Conditions:
Hyperphosphatasia with intellectual disability syndrome 5 (GPIBD11). Also called: GLYCOSYLPHOSPHATIDYLINOSITOL BIOSYNTHESIS DEFECT 11. Identifiers: Orphanet 247262, MedGen C4014958, MONDO:0014457, OMIM 616025.

Allele frequency attached by ClinVar (database versions not stated): gnomAD 0.00001; gnomAD exomes 0.00001 and 0.00002; ExAC 0.00002; TOPMed 0.00003.
gnomAD v4.1: 21 of 1,613,696 alleles (0.0013%); highest among the groups gnomAD compares: Admixed American, 0.0017%; no homozygotes.

Submission:

Labcorp Genetics (formerly Invitae), Labcorp
Classification: Uncertain significance for Hyperphosphatasia with intellectual disability syndrome 5. Last evaluated: 2022-04-30. Review status: criteria provided, single submitter. Criteria: Invitae Variant Classification Sherloc (09022015). Collection method: clinical testing. Allele origin: germline.
Comment: This sequence change replaces valine, which is neutral and non-polar, with isoleucine, which is neutral and non-polar, at codon 356 of the PIGW protein (p.Val356Ile). This variant is present in population databases (rs757289253, gnomAD 0.004%). This variant has not been reported in the literature in individuals affected with PIGW-related conditions. Algorithms developed to predict the effect of missense changes on protein structure and function output the following: SIFT: "Tolerated"; PolyPhen-2: "Benign"; Align-GVGD: "Class C0". The isoleucine amino acid residue is found in multiple mammalian species, which suggests that this missense change does not adversely affect protein function. In summary, the available evidence is currently insufficient to determine the role of this variant in disease. Therefore, it has been classified as a Variant of Uncertain Significance.